The following is an entry in ClinVar:

NM_000321.3(RB1):c.1517T>C (p.Leu506Pro)

Gene: RB1 (RB transcriptional corepressor 1; plus strand). Cytogenetic location: 13q14.2.
Variant type: single nucleotide variant.
Coding change: c.1517T>C on transcript NM_000321.3 (MANE Select); coding-DNA position 1517, T replaced by C.
Protein change: p.Leu506Pro; replaces leucine 506 with proline.
Molecular consequence: missense variant.
Genome position (GRCh38, 1-based): chr13:48,381,265, T>C. VCF-style: chr13-48381265-T-C. GRCh37 (hg19) VCF-style: chr13-48955401-T-C.
Other names: c.1517T>C, p.Leu506Pro (NM_001407165.1, NM_001407166.1); short protein forms L506P.
Identifiers: ClinVar variation 1774347 (VCV001774347.9), dbSNP rs2542206485, ClinGen allele CA388163329.

ClinVar aggregate classification (germline): Uncertain significance. Review status: criteria provided, multiple submitters, no conflicts (2 of 4 stars). 3 submissions from 3 submitters: Uncertain significance (3). Last evaluated 2025-11-10.

Conditions:
Hereditary cancer-predisposing syndrome. Also called: Hereditary Cancer Syndrome; Hereditary neoplastic syndrome; Neoplastic Syndromes, Hereditary; Tumor predisposition. Identifiers: Orphanet 140162, MedGen C0027672, MeSH D009386, MONDO:0015356.
Retinoblastoma (RB1). Also called: RETINOBLASTOMA, SOMATIC. Identifiers: Orphanet 790, MedGen C0035335, MeSH D012175, MONDO:0008380, OMIM 180200, HP:0009919. Disease mechanism: loss of function. Inheritance: Both sporadic and heritable forms are tested..

Allele frequency attached by ClinVar (database versions not stated): gnomAD exomes below 0.00001.
gnomAD v4.1: 1 of 1,610,444 alleles (0.000062%); highest among the groups gnomAD compares: Non-Finnish European, 0.000085%; no homozygotes.

Submissions (3):

Ambry Genetics
Classification: Uncertain significance for Hereditary cancer-predisposing syndrome. Last evaluated: 2025-11-10. Review status: criteria provided, single submitter. Criteria: Ambry Variant Classification Scheme 2023. Collection method: clinical testing. Allele origin: germline.
Comment: The p.L506P variant (also known as c.1517T>C), located in coding exon 17 of the RB1 gene, results from a T to C substitution at nucleotide position 1517. The leucine at codon 506 is replaced by proline, an amino acid with similar properties. This amino acid position is not well conserved in available vertebrate species. In addition, the in silico prediction for this alteration is inconclusive. Based on the available evidence, the clinical significance of this variant remains unclear.

Labcorp Genetics (formerly Invitae), Labcorp
Classification: Uncertain significance for Retinoblastoma. Last evaluated: 2024-03-17. Review status: criteria provided, single submitter. Criteria: Invitae Variant Classification Sherloc (09022015). Collection method: clinical testing. Allele origin: germline.
Comment: This sequence change replaces leucine, which is neutral and non-polar, with proline, which is neutral and non-polar, at codon 506 of the RB1 protein (p.Leu506Pro). This variant is not present in population databases (gnomAD no frequency). This variant has not been reported in the literature in individuals affected with RB1-related conditions. ClinVar contains an entry for this variant (Variation ID: 1774347). Advanced modeling of protein sequence and biophysical properties (such as structural, functional, and spatial information, amino acid conservation, physicochemical variation, residue mobility, and thermodynamic stability) has been performed at Invitae for this missense variant, however the output from this modeling did not meet the statistical confidence thresholds required to predict the impact of this variant on RB1 protein function. In summary, the available evidence is currently insufficient to determine the role of this variant in disease. Therefore, it has been classified as a Variant of Uncertain Significance.

All of Us Research Program, National Institutes of Health
Classification: Uncertain significance for Retinoblastoma. Last evaluated: 2023-11-02. Review status: criteria provided, single submitter. Criteria: ACMG Guidelines, 2015. Collection method: clinical testing. Allele origin: germline. Inheritance: Autosomal dominant inheritance. Observed: 1 variant allele, 1 heterozygote.
Comment: This missense variant replaces leucine with proline at codon 506 of the RB1 protein. Computational prediction suggests that this variant may not impact protein structure and function (internally defined REVEL score threshold <= 0.5, PMID: 27666373). To our knowledge, functional studies have not been reported for this variant. This variant has not been reported in individuals affected with RB1-related disorders in the literature. This variant has not been identified in the general population by the Genome Aggregation Database (gnomAD). The available evidence is insufficient to determine the role of this variant in disease conclusively. Therefore, this variant is classified as a Variant of Uncertain Significance.

This study involves interpretation of variants in research participants for the purpose of population health screening. Participant phenotype was not available at the time of variant classification. Additional details can be found in publication PMID: 35346344, PMCID: PMC8962531